The following is an entry in ClinVar:

NM_020894.4(UVSSA):c.1753-10C>T

Gene: UVSSA (UV stimulated scaffold protein A; plus strand). Cytogenetic location: 4p16.3.
Variant type: single nucleotide variant.
Coding change: c.1753-10C>T on transcript NM_020894.4 (MANE Select); 10 bases into the intron before coding-DNA position 1753, C replaced by T.
Molecular consequence: intron variant.
Genome position (GRCh38, 1-based): chr4:1,380,870, C>T. VCF-style: chr4-1380870-C-T. GRCh37 (hg19) VCF-style: chr4-1374658-C-T.
Other names: c.1753-10C>T (NM_001317935.2, NM_001317934.2).
Identifiers: ClinVar variation 3053228 (VCV003053228.3), dbSNP rs545736028, ClinGen allele CA2806326.

ClinVar aggregate classification (germline): Likely benign. Review status: criteria provided, single submitter (1 of 4 stars). 2 submissions from 2 submitters: Likely benign (1). 1 of the submissions does not count toward it. Last evaluated 2024-10-28.

Conditions:
UVSSA-related disorder. Also called: UVSSA-related condition.

Allele frequency attached by ClinVar (database versions not stated): ExAC 0.00003; TOPMed 0.00003; gnomAD 0.00005; 1000 Genomes Project 30x 0.00016; 1000 Genomes Project 0.00020.
gnomAD v4.1: 73 of 1,611,226 alleles (0.0045%); highest among the groups gnomAD compares: East Asian, 0.0089%; 2 homozygotes.

Submissions (2):

Blueprint Genetics
Classification: Likely benign. Last evaluated: 2024-10-28. Review status: criteria provided, single submitter. Criteria: ACMG Guidelines, 2015. Collection method: clinical testing. Allele origin: germline.

PreventionGenetics, part of Exact Sciences
Classification: Likely benign for UVSSA-related condition. Last evaluated: 2019-08-29. Review status: no assertion criteria provided. Collection method: clinical testing. Allele origin: germline. Not counted in ClinVar's aggregate classification.
Comment: This variant is classified as likely benign based on ACMG/AMP sequence variant interpretation guidelines (Richards et al. 2015 PMID: 25741868, with internal and published modifications).